The following is an entry in ClinVar:

NC_000001.10:g.(?_17345370)_(17355237_?)dup

Genes: SDHB (succinate dehydrogenase complex iron sulfur subunit B; minus strand), LOC129929541 (ATAC-STARR-seq lymphoblastoid active region 276; plus strand). Cytogenetic location: 1p36.13.
Variant type: Duplication.
Identifiers: ClinVar variation 528765 (VCV000528765.1).

ClinVar aggregate classification (germline): Uncertain significance (1 of 4 stars; one submission).

Conditions:
Pheochromocytoma. Also called: MAX-Related Hereditary Paraganglioma-Pheochromocytoma Syndrome. Identifiers: Orphanet 29072, MedGen C0031511, MONDO:0008233, OMIM 171300, HP:0002666.
Gastrointestinal stromal tumor. Also called: Gastrointestinal stromal tumor, somatic; Gastrointestinal stroma tumor. Identifiers: Orphanet 44890, MedGen C0238198, MeSH D046152, MONDO:0011719, OMIM 606764, HP:0100723.
Pheochromocytoma/paraganglioma syndrome 4. Also called: SDHB-Related Hereditary Paraganglioma-Pheochromocytoma Syndrome; PARAGANGLIOMA, FAMILIAL MALIGNANT; PARAGANGLIOMAS, HEREDITARY EXTRAADRENAL; PHEOCHROMOCYTOMA, FAMILIAL EXTRAADRENAL; Paragangliomas 4; CAROTID BODY TUMORS AND MULTIPLE EXTRAADRENAL PHEOCHROMOCYTOMAS. Identifiers: Orphanet 29072, MedGen C1861848, MONDO:0007273, OMIM 115310.

Submission:

Labcorp Genetics (formerly Invitae), Labcorp
Classification: Uncertain significance for Gastrointestinal stromal tumor; Pheochromocytoma/paraganglioma syndrome 4; Pheochromocytoma. Last evaluated: 2017-10-05. Review status: criteria provided, single submitter. Criteria: Invitae Variant Classification Sherloc (09022015). Collection method: clinical testing. Allele origin: germline.
Comment: This variant is a gain (5 copies) of the genomic region encompassing exons 4-8 of the SDHB gene. The 5' boundary is likely confined to intron 3. The 3' end of this event is unknown as it extends beyond the assayed region for this gene and therefore may encompass additional genes. The exact location of this variant in the genome is unknown. This variant has not been reported in the literature in individuals with SDHB-related disease. In summary, the available evidence is currently insufficient to determine the role of this variant in disease. Therefore, it has been classified as a Variant of Uncertain Significance.